The following is an entry in ClinVar:

ClinVar aggregate classification (germline): Uncertain significance (1 of 4 stars; one submission).

Conditions:
Propionic acidemia (PROP). Also called: GLYCINEMIA, KETOTIC; HYPERGLYCINEMIA WITH KETOACIDOSIS AND LEUKOPENIA; KETOTIC HYPERGLYCINEMIA. Identifiers: Orphanet 35, MedGen C0268579, MONDO:0011628, OMIM 606054, HP:0003571.

Submission:

Labcorp Genetics (formerly Invitae), Labcorp
Classification: Uncertain significance for Propionic acidemia. Last evaluated: 2022-06-03. Review status: criteria provided, single submitter. Criteria: Invitae Variant Classification Sherloc (09022015). Collection method: clinical testing. Allele origin: germline.
Comment: In summary, the available evidence is currently insufficient to determine the role of this variant in disease. Therefore, it has been classified as a Variant of Uncertain Significance. Algorithms developed to predict the effect of missense changes on protein structure and function (SIFT, PolyPhen-2, Align-GVGD) all suggest that this variant is likely to be disruptive. This sequence change replaces isoleucine, which is neutral and non-polar, with serine, which is neutral and polar, at codon 39 of the PCCB protein (p.Ile39Ser). This variant is not present in population databases (gnomAD no frequency). This variant has not been reported in the literature in individuals affected with PCCB-related conditions.

NM_000532.5(PCCB):c.116T>G (p.Ile39Ser)

Gene: PCCB (propionyl-CoA carboxylase subunit beta; plus strand). Cytogenetic location: 3q22.3.
Variant type: single nucleotide variant.
Coding change: c.116T>G on transcript NM_000532.5 (MANE Select); coding-DNA position 116, T replaced by G.
Protein change: p.Ile39Ser; replaces isoleucine 39 with serine.
Molecular consequence: missense variant.
Genome position (GRCh38, 1-based): chr3:136,250,491, T>G. VCF-style: chr3-136250491-T-G. GRCh37 (hg19) VCF-style: chr3-135969333-T-G.
Other names: c.116T>G, p.Ile39Ser (NM_001178014.2); short protein forms I39S.
Identifiers: ClinVar variation 2002142 (VCV002002142.4), dbSNP rs182412270, ClinGen allele CA354738021.